The following is an entry in ClinVar:

NM_006172.4(NPPA):c.27G>A (p.Val9=)

Genes: NPPA (natriuretic peptide A; minus strand), LOC114827827 (VISTA enhancer hs2123; plus strand). Cytogenetic location: 1p36.22.
Variant type: single nucleotide variant.
Coding change: c.27G>A on transcript NM_006172.4 (MANE Select); coding-DNA position 27, G replaced by A.
Protein change: p.Val9=; no amino-acid change (valine 9 retained).
Molecular consequence: synonymous variant.
Genome position (GRCh38, 1-based): chr1:11,847,658, C>T on the plus strand (G>A on the coding strand, the complement: NPPA is on the minus strand). VCF-style: chr1-11847658-C-T. GRCh37 (hg19) VCF-style: chr1-11907715-C-T.
Identifiers: ClinVar variation 2775607 (VCV002775607.3), dbSNP rs2523212670, ClinGen allele CA416363079.
Genomic context (GRCh38, chr1:11,847,658, plus strand): 5'-GTACATGGGATTAGCTCTGGTCTGACCTAGGAGCTGGAATGCCAGTAAAAGGAGGAAGCT[C>T]ACGGTGGTGGTGGAGAAGGAGCTCATGCTGGCGTCGTCAAGGAGCAATCCACTGCTTGCT-3'
Protein context (NP_006163.1, residues 1-19): MSSFSTTT[Val9=]SFLLLLAFQL

ClinVar aggregate classification (germline): Uncertain significance (1 of 4 stars; one submission).

Conditions:
Atrial fibrillation, familial, 6 (ATFB6). Identifiers: MedGen C2677294, MONDO:0012816, OMIM 612201.

Allele frequency attached by ClinVar (database versions not stated): gnomAD exomes below 0.00001.
gnomAD v4.1: 1 of 1,614,152 alleles (0.000062%); highest among the groups gnomAD compares: Non-Finnish European, 0.000085%; no homozygotes.

Submission:

Labcorp Genetics (formerly Invitae), Labcorp
Classification: Uncertain significance for Atrial fibrillation, familial, 6. Last evaluated: 2022-12-20. Review status: criteria provided, single submitter. Criteria: Invitae Variant Classification Sherloc (09022015). Collection method: clinical testing. Allele origin: germline.
Comment: Algorithms developed to predict the effect of sequence changes on RNA splicing suggest that this variant may create or strengthen a splice site. In summary, the available evidence is currently insufficient to determine the role of this variant in disease. Therefore, it has been classified as a Variant of Uncertain Significance. This variant has not been reported in the literature in individuals affected with NPPA-related conditions. This variant is not present in population databases (gnomAD no frequency). This sequence change affects codon 9 of the NPPA mRNA. It is a 'silent' change, meaning that it does not change the encoded amino acid sequence of the NPPA protein.